The following is an entry in ClinVar:

NM_020686.6(ABAT):c.214C>A (p.His72Asn)

Gene: ABAT (4-aminobutyrate aminotransferase; plus strand). Cytogenetic location: 16p13.2.
Variant type: single nucleotide variant.
Coding change: c.214C>A on transcript NM_020686.6 (MANE Select); coding-DNA position 214, C replaced by A.
Protein change: p.His72Asn; replaces histidine 72 with asparagine.
Molecular consequence: missense variant. On other transcripts: intron variant (2).
Genome position (GRCh38, 1-based): chr16:8,750,437, C>A. VCF-style: chr16-8750437-C-A. GRCh37 (hg19) VCF-style: chr16-8844294-C-A.
Other names: c.214C>A, p.His72Asn (NM_000663.5, NM_001127448.2, NM_001386600.1 and 11 more transcripts); c.79C>A, p.His27Asn (NM_001386611.1, NM_001386612.1, NM_001386613.1); c.101-22C>A (NM_001386610.1); c.71-7320C>A (NM_001386614.1); short protein forms H27N, H72N.
Identifiers: ClinVar variation 2150559 (VCV002150559.2), dbSNP rs756847648, ClinGen allele CA7893028.

ClinVar aggregate classification (germline): Uncertain significance (1 of 4 stars; one submission).

Conditions:
Gamma-aminobutyric acid transaminase deficiency (GABATD). Also called: GABA aminotransaminase deficiency; GABA transaminase deficiency; Gamma aminobutyrate transaminase deficiency; 4 alpha aminobutyrate transaminase deficiency. Identifiers: Orphanet 2066, MedGen C0342708, MONDO:0013166, OMIM 613163.

Allele frequency attached by ClinVar (database versions not stated): TOPMed below 0.00001; ExAC 0.00001; gnomAD 0.00001.
gnomAD v4.1: 2 of 1,613,962 alleles (0.00012%); highest among the groups gnomAD compares: Non-Finnish European, 0.00017%; no homozygotes.

Submission:

Labcorp Genetics (formerly Invitae), Labcorp
Classification: Uncertain significance for Gamma-aminobutyric acid transaminase deficiency. Last evaluated: 2022-02-14. Review status: criteria provided, single submitter. Criteria: Invitae Variant Classification Sherloc (09022015). Collection method: clinical testing. Allele origin: germline.
Comment: In summary, the available evidence is currently insufficient to determine the role of this variant in disease. Therefore, it has been classified as a Variant of Uncertain Significance. Algorithms developed to predict the effect of missense changes on protein structure and function (SIFT, PolyPhen-2, Align-GVGD) all suggest that this variant is likely to be tolerated. This variant has not been reported in the literature in individuals affected with ABAT-related conditions. This variant is present in population databases (rs756847648, gnomAD 0.0009%). This sequence change replaces histidine, which is basic and polar, with asparagine, which is neutral and polar, at codon 72 of the ABAT protein (p.His72Asn).